The following is an entry in ClinVar:

NM_013254.4(TBK1):c.2107G>T (p.Glu703Ter)

Gene: TBK1 (TANK binding kinase 1; plus strand). Cytogenetic location: 12q14.2.
Variant type: single nucleotide variant.
Coding change: c.2107G>T on transcript NM_013254.4 (MANE Select); coding-DNA position 2107, G replaced by T.
Protein change: p.Glu703Ter; replaces glutamic acid 703 with a stop codon.
Molecular consequence: nonsense.
Genome position (GRCh38, 1-based): chr12:64,498,008, G>T. VCF-style: chr12-64498008-G-T. GRCh37 (hg19) VCF-style: chr12-64891788-G-T.
Other names: c.2107G>T, p.Glu703Ter (LRG_1306t1); short protein forms E703*.
Identifiers: ClinVar variation 619188 (VCV000619188.1), dbSNP rs1565825132, ClinGen allele CA385607702.

ClinVar aggregate classification (germline): Likely pathogenic (0 of 4 stars; one submission).

Conditions:
Primary progressive non fluent aphasia. Also called: Progressive non-fluent aphasia. Identifiers: Orphanet 100070, MedGen C0751706, MONDO:0015059.
Corticobasal syndrome. Identifiers: Orphanet 454887, MedGen C5575119, MONDO:0018696.

Submission:

Department of Clinical and Movement Neurosciences, Institute of Neurology, University College London
Classification: Likely pathogenic for Corticobasal syndrome; Primary progressive non fluent aphasia. Review status: no assertion criteria provided. Collection method: research. Allele origin: inherited. Inheritance: Autosomal dominant inheritance. Affected: yes.
Comment: The brain pathology showed TDP-43, which has been previously associated with TBK1 mutations (Freischmidt et al., 2015; Pottier et al., 2015; Van Mossevelde et al., 2016). This variant was absent from 138,000 unrelated exome and genome sequences from the gnomAD database. This variant is predicted to result in a truncated protein product with loss of the highly conserved adaptor binding site at the C-terminal coiled-coil domain 2, which likely impacts complex formation (Goncalves et al., 2011; Freischmidt et al., 2015). In silico predictive algorithms predict this variant to be deleterious.